The following is an entry in ClinVar:

NM_001356.5(DDX3X):c.998G>A (p.Arg333Lys)

Gene: DDX3X (DEAD-box helicase 3 X-linked; plus strand). Cytogenetic location: Xp11.4.
Variant type: single nucleotide variant.
Coding change: c.998G>A on transcript NM_001356.5 (MANE Select); coding-DNA position 998, G replaced by A.
Protein change: p.Arg333Lys; replaces arginine 333 with lysine.
Molecular consequence: missense variant. On other transcripts: non-coding transcript variant (1).
Genome position (GRCh38, 1-based): chrX:41,344,372, G>A. VCF-style: chrX-41344372-G-A. GRCh37 (hg19) VCF-style: chrX-41203625-G-A.
Other names: c.998G>A, p.Arg333Lys (NM_001193416.3); c.950G>A, p.Arg317Lys (NM_001193417.3); c.440G>A, p.Arg147Lys (NM_001363819.1); short protein forms R147K, R317K, R333K.
Identifiers: ClinVar variation 1803622 (VCV001803622.1), dbSNP rs2519515439, ClinGen allele CA412771139.
Genomic context (GRCh38, chrX:41,344,372, plus strand): 5'-TGGAACGTGGATGCCATTTGTTAGTAGCCACTCCAGGACGTCTAGTGGATATGATGGAAA[G>A]AGGAAAGATTGGATTAGACTTTTGCAAGTATGTTTTATTTTGTTTTTGTTTTTTTGTTTT-3'
Protein context (NP_001347.3, residues 323-343): TPGRLVDMME[Arg333Lys]GKIGLDFCKY

ClinVar aggregate classification (germline): Uncertain significance (1 of 4 stars; one submission).

Submission:

GeneDx
Classification: Uncertain significance. Last evaluated: 2022-01-19. Review status: criteria provided, single submitter. Criteria: GeneDx Variant Classification Process June 2021. Collection method: clinical testing. Allele origin: germline. Affected: yes.
Comment: Not observed at significant frequency in large population cohorts (gnomAD); In silico analysis supports that this missense variant has a deleterious effect on protein structure/function; Has not been previously published as pathogenic or benign to our knowledge